The following is an entry in ClinVar:

NM_000093.5(COL5A1):c.1014T>C (p.Tyr338=)

Gene: COL5A1 (collagen type V alpha 1 chain; plus strand). Cytogenetic location: 9q34.3.
Variant type: single nucleotide variant.
Coding change: c.1014T>C on transcript NM_000093.5 (MANE Select); coding-DNA position 1014, T replaced by C.
Protein change: p.Tyr338=; no amino-acid change (tyrosine 338 retained).
Molecular consequence: synonymous variant.
Genome position (GRCh38, 1-based): chr9:134,730,325, T>C. VCF-style: chr9-134730325-T-C. GRCh37 (hg19) VCF-style: chr9-137622171-T-C.
Other names: c.1014T>C, p.Tyr338= (NM_001278074.1).
Identifiers: ClinVar variation 2448286 (VCV002448286.3), dbSNP rs2490501109, ClinGen allele CA467816207.

ClinVar aggregate classification (germline): Likely benign. Review status: criteria provided, multiple submitters, no conflicts (2 of 4 stars). 2 submissions from 2 submitters: Likely benign (2). Last evaluated 2025-12-12.

Conditions:
COL5A1-related disorder. Also called: COL5A1-related condition.
Familial thoracic aortic aneurysm and aortic dissection (TAAD). Also called: Thoracic aortic aneurysms and dissections. Identifiers: Orphanet 91387, MedGen C4707243, MONDO:0019625.

Allele frequency attached by ClinVar (database versions not stated): gnomAD exomes 0.00001.
gnomAD v4.1: 3 of 1,614,238 alleles (0.00019%); highest among the groups gnomAD compares: Non-Finnish European, 0.00025%; no homozygotes.

Submissions (2):

PreventionGenetics, part of Exact Sciences
Classification: Likely benign for COL5A1-related condition. Last evaluated: 2025-12-12. Review status: criteria provided, single submitter. Criteria: ACMG Guidelines, 2015. Collection method: clinical testing. Allele origin: germline.
Comment: This variant is classified as likely benign based on ACMG/AMP sequence variant interpretation guidelines (Richards et al. 2015 PMID: 25741868, with internal and published modifications).

Ambry Genetics
Classification: Likely benign for Familial thoracic aortic aneurysm and aortic dissection. Last evaluated: 2023-01-25. Review status: criteria provided, single submitter. Criteria: Ambry Variant Classification Scheme 2023. Collection method: clinical testing. Allele origin: germline.